The following is an entry in ClinVar:

ClinVar aggregate classification (germline): Uncertain significance. Review status: criteria provided, multiple submitters, no conflicts (2 of 4 stars). 2 submissions from 2 submitters: Uncertain significance (2). Last evaluated 2023-09-12.

Conditions:
Inborn genetic diseases. Identifiers: MedGen C0950123, MeSH D030342.
Nemaline myopathy 8 (NEM8). Also called: Nemaline myopathy 8, autosomal recessive. Identifiers: Orphanet 171430, MedGen C3809209, MONDO:0014138, OMIM 615348.

Allele frequency attached by ClinVar (database versions not stated): gnomAD exomes below 0.00001; TOPMed 0.00001.
gnomAD v4.1: 1 of 1,611,180 alleles (0.000062%); highest among the groups gnomAD compares: South Asian, 0.0011%; no homozygotes.

Submissions (2):

Ambry Genetics
Classification: Uncertain significance for Inborn genetic diseases. Last evaluated: 2023-09-12. Review status: criteria provided, single submitter. Criteria: Ambry Variant Classification Scheme 2023. Collection method: clinical testing. Allele origin: germline.

Labcorp Genetics (formerly Invitae), Labcorp
Classification: Uncertain significance for Nemaline myopathy 8. Last evaluated: 2021-10-11. Review status: criteria provided, single submitter. Criteria: Invitae Variant Classification Sherloc (09022015). Collection method: clinical testing. Allele origin: germline.
Comment: This sequence change replaces arginine with histidine at codon 240 of the KLHL40 protein (p.Arg240His). The arginine residue is moderately conserved and there is a small physicochemical difference between arginine and histidine. This variant is not present in population databases (ExAC no frequency). This variant has not been reported in the literature in individuals affected with KLHL40-related conditions. Algorithms developed to predict the effect of missense changes on protein structure and function (SIFT, PolyPhen-2, Align-GVGD) all suggest that this variant is likely to be tolerated. In summary, the available evidence is currently insufficient to determine the role of this variant in disease. Therefore, it has been classified as a Variant of Uncertain Significance.

NM_152393.4(KLHL40):c.719G>A (p.Arg240His)

Gene: KLHL40 (kelch like family member 40; plus strand). Cytogenetic location: 3p22.1.
Variant type: single nucleotide variant.
Coding change: c.719G>A on transcript NM_152393.4 (MANE Select); coding-DNA position 719, G replaced by A.
Protein change: p.Arg240His; replaces arginine 240 with histidine.
Molecular consequence: missense variant.
Genome position (GRCh38, 1-based): chr3:42,686,337, G>A. VCF-style: chr3-42686337-G-A. GRCh37 (hg19) VCF-style: chr3-42727829-G-A.
Other names: c.719G>A (NM_152393.2); short protein forms R240H.
Identifiers: ClinVar variation 1524423 (VCV001524423.4), dbSNP rs894967112, ClinGen allele CA74191910.